The following is an entry in ClinVar:

ClinVar aggregate classification (germline): Uncertain significance (0 of 4 stars; one submission).

Submission:

Leiden Open Variation Database
Classification: Uncertain significance. Last evaluated: 2021-04-06. Review status: no assertion criteria provided. Collection method: curation. Allele origin: germline. Affected: yes.
Comment: Curator: Global Variome, with Curator vacancy. Submitters to LOVD: LOVD, Manon Peeters.

Literature cited by the submitters: PubMed 22567862; PubMed 29453956.

NM_000322.5(PRPH2):c.148G>C (p.Asp50His)

Gene: PRPH2 (peripherin 2; minus strand). Cytogenetic location: 6p21.1.
Variant type: single nucleotide variant.
Coding change: c.148G>C on transcript NM_000322.5 (MANE Select); coding-DNA position 148, G replaced by C.
Protein change: p.Asp50His; replaces aspartic acid 50 with histidine.
Molecular consequence: missense variant.
Genome position (GRCh38, 1-based): chr6:42,722,187, C>G on the plus strand (G>C on the coding strand, the complement: PRPH2 is on the minus strand). VCF-style: chr6-42722187-C-G. GRCh37 (hg19) VCF-style: chr6-42689925-C-G.
Other names: short protein forms D50H.
Identifiers: ClinVar variation 1175251 (VCV001175251.1), dbSNP rs747987442, ClinGen allele CA364138671.